The following is an entry in ClinVar:

NM_005477.3(HCN4):c.3499T>G (p.Leu1167Val)

Gene: HCN4 (hyperpolarization activated cyclic nucleotide gated potassium channel 4; minus strand). Cytogenetic location: 15q24.1.
Variant type: single nucleotide variant.
Coding change: c.3499T>G on transcript NM_005477.3 (MANE Select); coding-DNA position 3499, T replaced by G.
Protein change: p.Leu1167Val; replaces leucine 1167 with valine.
Molecular consequence: missense variant.
Genome position (GRCh38, 1-based): chr15:73,322,594, A>C on the plus strand (T>G on the coding strand, the complement: HCN4 is on the minus strand). VCF-style: chr15-73322594-A-C. GRCh37 (hg19) VCF-style: chr15-73614935-A-C.
Other names: short protein forms L1167V.
Identifiers: ClinVar variation 4034017 (VCV004034017.1).

ClinVar aggregate classification (germline): Uncertain significance (1 of 4 stars; one submission).

Conditions:
Cardiovascular phenotype. Identifiers: MedGen CN230736.

Submission:

Ambry Genetics
Classification: Uncertain significance for Cardiovascular phenotype. Last evaluated: 2025-05-30. Review status: criteria provided, single submitter. Criteria: Ambry Variant Classification Scheme 2023. Collection method: clinical testing. Allele origin: germline.
Comment: The p.L1167V variant (also known as c.3499T>G), located in coding exon 8 of the HCN4 gene, results from a T to G substitution at nucleotide position 3499. The leucine at codon 1167 is replaced by valine, an amino acid with highly similar properties. This amino acid position is conserved. In addition, this alteration is predicted to be tolerated by in silico analysis. Based on the available evidence, the clinical significance of this variant remains unclear.